The following is an entry in ClinVar:

ClinVar aggregate classification (germline): Likely benign (1 of 4 stars; one submission).

Allele frequency attached by ClinVar (database versions not stated): 1000 Genomes Project 30x 0.00021; 1000 Genomes Project 0.00026; gnomAD 0.00050 and 0.00052; TOPMed 0.00060; gnomAD exomes 0.01754.
gnomAD v4.1: 56 of 112,544 alleles (0.05%); highest among the groups gnomAD compares: African/African-American, 0.18%; 1 homozygote.

Submission:

GeneDx
Classification: Likely benign. Last evaluated: 2016-02-12. Review status: criteria provided, single submitter. Criteria: GeneDx Variant Classification (06012015). Collection method: clinical testing. Allele origin: germline. Affected: yes.
Comment: This variant is considered likely benign or benign based on one or more of the following criteria: it is a conservative change, it occurs at a poorly conserved position in the protein, it is predicted to be benign by multiple in silico algorithms, and/or has population frequency not consistent with disease.

NM_001015877.2(PHF6):c.-47+8C>T

Gene: PHF6 (PHD finger protein 6; plus strand). Cytogenetic location: Xq26.2.
Variant type: single nucleotide variant.
Coding change: c.-47+8C>T on transcript NM_001015877.2 (MANE Select); 8 bases into the intron after 47 bases upstream of the start codon, C replaced by T.
Molecular consequence: intron variant.
Genome position (GRCh38, 1-based): chrX:134,373,475, C>T. VCF-style: chrX-134373475-C-T. GRCh37 (hg19) VCF-style: chrX-133507505-C-T.
Other names: c.-47+8C>T (LRG_629t2, NM_032458.3, NM_032335.3).
Identifiers: ClinVar variation 383694 (VCV000383694.1), dbSNP rs762048465, ClinGen allele CA16608743.